The following is an entry in ClinVar:

ClinVar aggregate classification (germline): Benign. Review status: criteria provided, multiple submitters, no conflicts (2 of 4 stars). 9 submissions from 9 submitters: Benign (7). 2 of the submissions do not count toward it. Last evaluated 2026-02-02.

Conditions:
Oculotrichoanal syndrome (MOTA). Also called: MARLES SYNDROME; Manitoba Oculotrichoanal (MOTA) Syndrome. Identifiers: Orphanet 2717, MedGen C1855425, MONDO:0009560, OMIM 248450.

Allele frequency attached by ClinVar (database versions not stated): 1000 Genomes Project 30x 0.16974; TOPMed 0.17270; 1000 Genomes Project 0.17692; gnomAD 0.17766 and 0.18089; ESP Exome Variant Server 0.17767; ExAC 0.21760; gnomAD exomes 0.21817 and 0.22685.
gnomAD v4.1: 358,236 of 1,613,132 alleles (22%); highest among the groups gnomAD compares: South Asian, 24%; 41,203 homozygotes.

Submissions (9):

Labcorp Genetics (formerly Invitae), Labcorp
Classification: Benign. Last evaluated: 2026-02-02. Review status: criteria provided, single submitter. Criteria: Invitae Variant Classification Sherloc (09022015). Collection method: clinical testing. Allele origin: germline.

Blueprint Genetics
Classification: Benign. Last evaluated: 2024-11-27. Review status: criteria provided, single submitter. Criteria: ACMG Guidelines, 2015. Collection method: clinical testing. Allele origin: germline.

Mayo Clinic Laboratories, Mayo Clinic
Classification: Benign. Last evaluated: 2022-03-09. Review status: criteria provided, single submitter. Criteria: ACMG Guidelines, 2015. Collection method: clinical testing. Allele origin: germline. Observed: 30 variant alleles.

GeneDx
Classification: Benign. Last evaluated: 2020-05-18. Review status: criteria provided, single submitter. Criteria: GeneDx Variant Classification Process June 2021. Collection method: clinical testing. Allele origin: germline. Affected: yes.

Illumina Laboratory Services, Illumina
Classification: Benign for Oculotrichoanal syndrome. Last evaluated: 2018-01-12. Review status: criteria provided, single submitter. Criteria: ICSL Variant Classification Criteria 13 December 2019. Collection method: clinical testing. Allele origin: germline.
Comment: This variant was observed in the ICSL laboratory as part of a predisposition screen in an ostensibly healthy population. It had not been previously curated by ICSL or reported in the Human Gene Mutation Database (HGMD: prior to June 1st, 2018), and was therefore a candidate for classification through an automated scoring system. Utilizing variant allele frequency, disease prevalence and penetrance estimates, and inheritance mode, an automated score was calculated to assess if this variant is too frequent to cause the disease. Based on the score and internal cut-off values, a variant classified as benign is not then subjected to further curation. The score for this variant resulted in a classification of benign for this disease.

Breakthrough Genomics
Classification: Benign. Review status: criteria provided, single submitter. Criteria: ACMG Guidelines, 2015. Collection method: not provided. Allele origin: germline. Inheritance: Autosomal recessive inheritance. Affected: yes.

PreventionGenetics, part of Exact Sciences
Classification: Benign. Review status: criteria provided, single submitter. Criteria: ACMG Guidelines, 2015. Collection method: clinical testing. Allele origin: germline.

Diagnostic Laboratory, Department of Genetics, University Medical Center Groningen
Classification: Benign. Review status: no assertion criteria provided. Collection method: clinical testing. Allele origin: germline. Affected: yes. Study: VKGL Data-share Consensus. Not counted in ClinVar's aggregate classification.

Genome Diagnostics Laboratory, University Medical Center Utrecht
Classification: Benign. Review status: no assertion criteria provided. Collection method: clinical testing. Allele origin: germline. Affected: yes. Study: VKGL Data-share Consensus. Not counted in ClinVar's aggregate classification.

NM_001379081.2(FREM1):c.3657A>G (p.Ala1219=)

Gene: FREM1 (FRAS1 related extracellular matrix 1; minus strand). Cytogenetic location: 9p22.3.
Variant type: single nucleotide variant.
Coding change: c.3657A>G on transcript NM_001379081.2 (MANE Select); coding-DNA position 3657, A replaced by G.
Protein change: p.Ala1219=; no amino-acid change (alanine 1219 retained).
Molecular consequence: synonymous variant. On other transcripts: non-coding transcript variant (2).
Genome position (GRCh38, 1-based): chr9:14,801,689, T>C on the plus strand (A>G on the coding strand, the complement: FREM1 is on the minus strand). VCF-style: chr9-14801689-T-C. GRCh37 (hg19) VCF-style: chr9-14801687-T-C.
Other names: p.Ala1219=; c.3657A>G, p.Ala1219= (NM_144966.7).
Identifiers: ClinVar variation 262538 (VCV000262538.22), dbSNP rs10738380, ClinGen allele CA4990469.